The following is an entry in ClinVar:

ClinVar aggregate classification (germline): Pathogenic/Likely pathogenic. Review status: criteria provided, multiple submitters, no conflicts (2 of 4 stars). 2 submissions from 2 submitters: Pathogenic (1); Likely pathogenic (1). Last evaluated 2024-11-02.

Conditions:
Propionic acidemia (PROP). Also called: GLYCINEMIA, KETOTIC; HYPERGLYCINEMIA WITH KETOACIDOSIS AND LEUKOPENIA; KETOTIC HYPERGLYCINEMIA. Identifiers: Orphanet 35, MedGen C0268579, MONDO:0011628, OMIM 606054, HP:0003571.

Submissions (2):

Natera, Inc.
Classification: Pathogenic for Propionic acidemia. Last evaluated: 2024-11-02. Review status: criteria provided, single submitter. Criteria: Natera Variant Classification Schema (03/2026). Collection method: clinical testing. Allele origin: germline.
Comment: The c.1199-1G>A variant in PCCB is a canonical splice acceptor site variant predicted to affect pre-mRNA splicing, which may result in an abnormal transcript and altered protein product. This variant is expected to result in nonsense mediated decay, truncation, or a dysfunctional protein product. This variant is rare in the general population with a frequency below the threshold expected for the associated phenotype(s). Another variant at this same site results in an alteration predicted to cause a similar molecular effect has been observed in individual(s) with the associated phenotype. Given the available evidence, this variant is classified as Pathogenic.

Baylor Genetics
Classification: Likely pathogenic for Propionic acidemia. Last evaluated: 2023-08-02. Review status: criteria provided, single submitter. Criteria: ACMG Guidelines, 2015. Collection method: clinical testing. Allele origin: unknown.

NM_000532.5(PCCB):c.1199-1G>A

Gene: PCCB (propionyl-CoA carboxylase subunit beta; plus strand). Cytogenetic location: 3q22.3.
Variant type: single nucleotide variant.
Coding change: c.1199-1G>A on transcript NM_000532.5 (MANE Select); the canonical splice acceptor site of the intron before coding-DNA position 1199, G replaced by A.
Molecular consequence: splice acceptor variant.
Genome position (GRCh38, 1-based): chr3:136,327,154, G>A. VCF-style: chr3-136327154-G-A. GRCh37 (hg19) VCF-style: chr3-136045996-G-A.
Other names: c.1199-1G>A (NM_000532.4); c.1259-1G>A (NM_001178014.2).
Identifiers: ClinVar variation 2677515 (VCV002677515.2), dbSNP rs2529971938, ClinGen allele CA354648964.